The following is an entry in ClinVar:

ClinVar aggregate classification (germline): Conflicting classifications of pathogenicity. Review status: criteria provided, conflicting classifications (1 of 4 stars). 2 submissions from 2 submitters: Uncertain significance (1); Likely benign (1). Last evaluated 2026-01-23.

Conditions:
Oligodontia-cancer predisposition syndrome. Also called: TOOTH AGENESIS-COLORECTAL CANCER SYNDROME. Identifiers: Orphanet 300576, MedGen C1837750, MONDO:0012075, OMIM 608615. Disease mechanism: loss of function.

Allele frequency attached by ClinVar (database versions not stated): gnomAD exomes below 0.00001.
gnomAD v4.1: 1 of 1,614,082 alleles (0.000062%); highest among the groups gnomAD compares: Admixed American, 0.0017%; no homozygotes.

Submissions (2):

Labcorp Genetics (formerly Invitae), Labcorp
Classification: Likely benign for Oligodontia-cancer predisposition syndrome. Last evaluated: 2026-01-23. Review status: criteria provided, single submitter. Criteria: Invitae Variant Classification Sherloc (09022015). Collection method: clinical testing. Allele origin: germline.

CeGaT Center for Human Genetics Tuebingen
Classification: Uncertain significance. Last evaluated: 2025-11-01. Review status: criteria provided, single submitter. Criteria: CeGaT Center For Human Genetics Tuebingen Variant Classification Criteria Version 2. Collection method: clinical testing. Allele origin: germline. Affected: yes. Observed: 1 variant allele.
Comment: AXIN2: PM2, BP4

NM_004655.4(AXIN2):c.2406-7T>A

Gene: AXIN2 (axin 2; minus strand). Cytogenetic location: 17q24.1.
Variant type: single nucleotide variant.
Coding change: c.2406-7T>A on transcript NM_004655.4 (MANE Select); 7 bases into the intron before coding-DNA position 2406, T replaced by A.
Molecular consequence: intron variant.
Genome position (GRCh38, 1-based): chr17:65,530,109, A>T on the plus strand (T>A on the coding strand, the complement: AXIN2 is on the minus strand). VCF-style: chr17-65530109-A-T. GRCh37 (hg19) VCF-style: chr17-63526227-A-T.
Other names: c.2211-7T>A (NM_001363813.1).
Identifiers: ClinVar variation 760231 (VCV000760231.15), dbSNP rs1598090074, ClinGen allele CA915952067.